The following is an entry in ClinVar:

NM_018051.5(DYNC2I1):c.1559T>A (p.Ile520Asn)

Gene: DYNC2I1 (dynein 2 intermediate chain 1; plus strand). Cytogenetic location: 7q36.3.
Variant type: single nucleotide variant.
Coding change: c.1559T>A on transcript NM_018051.5 (MANE Select); coding-DNA position 1559, T replaced by A.
Protein change: p.Ile520Asn; replaces isoleucine 520 with asparagine.
Molecular consequence: missense variant.
Genome position (GRCh38, 1-based): chr7:158,911,648, T>A. VCF-style: chr7-158911648-T-A. GRCh37 (hg19) VCF-style: chr7-158704339-T-A.
Other names: c.1421T>A, p.Ile474Asn (NM_001350914.2); c.986T>A, p.Ile329Asn (NM_001350915.2); c.98T>A, p.Ile33Asn (NM_001350916.2); c.311T>A, p.Ile104Asn (NM_001350917.2, NM_001350918.2); short protein forms I329N, I474N, I33N, I104N, I520N.
Identifiers: ClinVar variation 4712285 (VCV004712285.1).

ClinVar aggregate classification (germline): Uncertain significance (1 of 4 stars; one submission).

Conditions:
Short-rib thoracic dysplasia 8 with or without polydactyly (SRTD8). Also called: SHORT-RIB THORACIC DYSPLASIA 8 WITH POLYDACTYLY. Identifiers: Orphanet 93271, MedGen C3809691, MONDO:0014214, OMIM 615503.

Submission:

Labcorp Genetics (formerly Invitae), Labcorp
Classification: Uncertain significance for Short-rib thoracic dysplasia 8 with or without polydactyly. Last evaluated: 2025-02-12. Review status: criteria provided, single submitter. Criteria: Invitae Variant Classification Sherloc (09022015). Collection method: clinical testing. Allele origin: germline.
Comment: This sequence change replaces isoleucine, which is neutral and non-polar, with asparagine, which is neutral and polar, at codon 520 of the WDR60 protein (p.Ile520Asn). This variant is not present in population databases (gnomAD no frequency). This variant has not been reported in the literature in individuals affected with WDR60-related conditions. An algorithm developed to predict the effect of missense changes on protein structure and function (PolyPhen-2) suggests that this variant is likely to be disruptive. In summary, the available evidence is currently insufficient to determine the role of this variant in disease. Therefore, it has been classified as a Variant of Uncertain Significance.